The following is an entry in ClinVar:

ClinVar aggregate classification (germline): Benign. Review status: criteria provided, multiple submitters, no conflicts (2 of 4 stars). 2 submissions from 2 submitters: Benign (2). Last evaluated 2018-06-14.

Allele frequency attached by ClinVar (database versions not stated): 1000 Genomes Project 30x 0.98938; 1000 Genomes Project 0.98962; TOPMed 0.99074; gnomAD 0.99090 and 0.99150; gnomAD exomes 0.99902.
gnomAD v4.1: 1,322,188 of 1,324,688 alleles (100%); highest among the groups gnomAD compares: East Asian, 100%; 659,881 homozygotes.

Submissions (2):

GeneDx
Classification: Benign. Last evaluated: 2018-06-14. Review status: criteria provided, single submitter. Criteria: GeneDx Variant Classification (06012015). Collection method: clinical testing. Allele origin: germline. Affected: yes.
Comment: This variant is considered likely benign or benign based on one or more of the following criteria: it is a conservative change, it occurs at a poorly conserved position in the protein, it is predicted to be benign by multiple in silico algorithms, and/or has population frequency not consistent with disease.

Breakthrough Genomics
Classification: Benign. Review status: criteria provided, single submitter. Criteria: ACMG Guidelines, 2015. Collection method: not provided. Allele origin: germline. Inheritance: Autosomal recessive inheritance. Affected: yes.

NM_000090.4(COL3A1):c.1869+88C>T

Gene: COL3A1 (collagen type III alpha 1 chain; plus strand). Cytogenetic location: 2q32.2.
Variant type: single nucleotide variant.
Coding change: c.1869+88C>T on transcript NM_000090.4 (MANE Select); 88 bases into the intron after coding-DNA position 1869, C replaced by T.
Molecular consequence: intron variant.
Genome position (GRCh38, 1-based): chr2:188,997,477, C>T. VCF-style: chr2-188997477-C-T. GRCh37 (hg19) VCF-style: chr2-189862203-C-T.
Identifiers: ClinVar variation 670965 (VCV000670965.2), dbSNP rs3134654, ClinGen allele CA62599094.